The following is an entry in ClinVar:

NM_001267550.2(TTN):c.41391_41393del (p.Leu13798del)

Gene: TTN (titin; minus strand). Cytogenetic location: 2q31.2.
Variant type: Deletion.
Coding change: c.41391_41393del on transcript NM_001267550.2 (MANE Select); coding-DNA positions 41391 to 41393, 3 bases deleted (ATT; older notation c.41391_41393delATT).
Protein change: p.Leu13798del; deletes leucine 13798.
Molecular consequence: inframe deletion.
Genome position (GRCh38, 1-based): chr2:178,636,178-178,636,180, AAT deleted on the plus strand (ATT on the coding strand, the reverse complement: TTN is on the minus strand). VCF-style (leftmost placement, unchanged base first): chr2-178636177-CAAT-C. GRCh37 (hg19) VCF-style: chr2-179500904-CAAT-C.
Other names: c.36468_36470del, p.Leu12157del (NM_001256850.1); c.14196_14198del, p.Leu4733del (NM_003319.4); c.33687_33689del, p.Leu11230del (NM_133378.4); c.14571_14573del, p.Leu4858del (NM_133432.3); c.14772_14774del, p.Leu4925del (NM_133437.4); short protein forms L11230del, L12157del, L13798del, L4733del, L4858del, L4925del.
Identifiers: ClinVar variation 2627983 (VCV002627983.1), dbSNP rs2471619086, ClinGen allele CA2586963961.

ClinVar aggregate classification (germline): Uncertain significance (1 of 4 stars; one submission).

Conditions:
Early-onset myopathy with fatal cardiomyopathy (CMYO5). Also called: CONGENITAL MYOPATHY 5 WITH CARDIOMYOPATHY; Salih Myopathy. Identifiers: Orphanet 289377, MedGen C2673677, MONDO:0012714, OMIM 611705. Disease mechanism: loss of function.

Submission:

Neuberg Centre For Genomic Medicine, NCGM
Classification: Uncertain significance for Early-onset myopathy with fatal cardiomyopathy. Review status: criteria provided, single submitter. Criteria: ACMG Guidelines, 2015. Collection method: clinical testing. Allele origin: germline. Inheritance: Autosomal recessive inheritance. Affected: yes.
Comment: The c.41391_41393del (p.Leu13798del) inframe deletion variant in TTN gene has not been reported previously as a pathogenic variant nor as a benign variant, to our knowledge. The p.Leu13798del variant is novel (not in any individuals) in gnomAD Exomes and 1000 Genomes. This p.Leu13798del causes deletion of amino acid Leucine at position 13798. The observed variant is not in the repeat region. Since this inframe deletion is not expected to cause protein truncation, the above variant has been classified as Variant of Uncertain Significance (VUS).